The following is an entry in ClinVar:

ClinVar aggregate classification (germline): Uncertain significance (1 of 4 stars; one submission).

Submission:

GeneDx
Classification: Uncertain significance. Last evaluated: 2022-11-09. Review status: criteria provided, single submitter. Criteria: GeneDx Variant Classification Process June 2021. Collection method: clinical testing. Allele origin: germline. Affected: yes.
Comment: Not observed at significant frequency in large population cohorts (gnomAD); In-frame deletion of 1 amino acids in a non-repeat region; In silico analysis supports that this variant does not alter protein structure/function; Has not been previously published as pathogenic or benign to our knowledge

NM_182925.5(FLT4):c.4079ACA[1] (p.Asn1361del)

Gene: FLT4 (fms related receptor tyrosine kinase 4; minus strand). Cytogenetic location: 5q35.3.
Variant type: Microsatellite.
Coding change: c.4079ACA[1] on transcript NM_182925.5 (MANE Select); one copy of the 3-base unit ACA starting at c.4079; the reference has two copies in a row; one copy, 3 bases deleted.
Protein change: p.Asn1361del; deletes asparagine 1361.
Molecular consequence: inframe deletion.
Genome position (GRCh38, 1-based): chr5:180,603,200-180,603,202, TGT deleted on the plus strand (ACA on the coding strand, the reverse complement: FLT4 is on the minus strand); deleting any 3 consecutive bases within chr5:180,603,200-180,603,205 gives the same sequence; the position shown is the placement nearest the transcript's 3' end. VCF-style (leftmost placement, unchanged base first): chr5-180603199-CTGT-C. GRCh37 (hg19) VCF-style: chr5-180030199-CTGT-C.
Other names: short protein forms N1361del.
Identifiers: ClinVar variation 2502010 (VCV002502010.1), dbSNP rs2480787070, ClinGen allele CA2580614812.